The following is an entry in ClinVar:

ClinVar aggregate classification (germline): Likely benign (1 of 4 stars; one submission).

Submission:

CeGaT Center for Human Genetics Tuebingen
Classification: Likely benign. Last evaluated: 2024-07-01. Review status: criteria provided, single submitter. Criteria: CeGaT Center For Human Genetics Tuebingen Variant Classification Criteria Version 2. Collection method: clinical testing. Allele origin: germline. Affected: yes. Observed: 1 variant allele.
Comment: NDN: BP4, BP7

NM_002487.3(NDN):c.27C>T (p.Ser9=)

Gene: NDN (necdin, MAGE family member; minus strand). Cytogenetic location: 15q11.2.
Variant type: single nucleotide variant.
Coding change: c.27C>T on transcript NM_002487.3 (MANE Select); coding-DNA position 27, C replaced by T.
Protein change: p.Ser9=; no amino-acid change (serine 9 retained).
Molecular consequence: synonymous variant.
Genome position (GRCh38, 1-based): chr15:23,687,191, G>A on the plus strand (C>T on the coding strand, the complement: NDN is on the minus strand). VCF-style: chr15-23687191-G-A. GRCh37 (hg19) VCF-style: chr15-23932338-G-A.
Identifiers: ClinVar variation 3341850 (VCV003341850.16).